The following is an entry in ClinVar:

ClinVar aggregate classification (germline): Uncertain significance. Review status: criteria provided, multiple submitters, no conflicts (2 of 4 stars). 3 submissions from 3 submitters: Uncertain significance (3). Last evaluated 2025-01-05.

Conditions:
Glycine encephalopathy. Also called: Nonketotic hyperglycinemia; Non-ketotic hyperglycinemia. Identifiers: Orphanet 407, MedGen C0751748, MONDO:0011612, HP:0008288.

Allele frequency attached by ClinVar (database versions not stated): gnomAD 0.00001 and 0.00002; TOPMed 0.00002; ESP Exome Variant Server 0.00008.
gnomAD v4.1: 18 of 1,613,432 alleles (0.0011%); highest among the groups gnomAD compares: East Asian, 0.0045%; no homozygotes.

Submissions (3):

Labcorp Genetics (formerly Invitae), Labcorp
Classification: Uncertain significance for Glycine encephalopathy. Last evaluated: 2025-01-05. Review status: criteria provided, single submitter. Criteria: Invitae Variant Classification Sherloc (09022015). Collection method: clinical testing. Allele origin: germline.
Comment: This sequence change replaces arginine, which is basic and polar, with histidine, which is basic and polar, at codon 10 of the AMT protein (p.Arg10His). This variant is present in population databases (rs150649086, gnomAD 0.003%). This variant has not been reported in the literature in individuals affected with AMT-related conditions. ClinVar contains an entry for this variant (Variation ID: 1404115). Invitae Evidence Modeling of protein sequence and biophysical properties (such as structural, functional, and spatial information, amino acid conservation, physicochemical variation, residue mobility, and thermodynamic stability) indicates that this missense variant is not expected to disrupt AMT protein function with a negative predictive value of 95%. In summary, the available evidence is currently insufficient to determine the role of this variant in disease. Therefore, it has been classified as a Variant of Uncertain Significance.

Fulgent Genetics
Classification: Uncertain significance for Glycine encephalopathy 1. Last evaluated: 2021-11-18. Review status: criteria provided, single submitter. Criteria: ACMG Guidelines, 2015. Collection method: clinical testing. Allele origin: unknown.

Laboratorio de Genetica e Diagnostico Molecular, Hospital Israelita Albert Einstein
Classification: Uncertain significance for Glycine encephalopathy 1. Last evaluated: 2021-07-05. Review status: criteria provided, single submitter. Criteria: ACMG Guidelines, 2015. Collection method: clinical testing. Allele origin: germline. Affected: yes.
Comment: ACMG classification criteria: PM2 moderate, BP4 supporting

NM_000481.4(AMT):c.29G>A (p.Arg10His)

Genes: AMT (aminomethyltransferase; minus strand), NICN1 (nicolin 1, tubulin polyglutamylase complex subunit; minus strand). Cytogenetic location: 3p21.31.
Variant type: single nucleotide variant.
Coding change: c.29G>A on transcript NM_000481.4 (MANE Select); coding-DNA position 29, G replaced by A.
Protein change: p.Arg10His; replaces arginine 10 with histidine.
Molecular consequence: missense variant. On other transcripts: non-coding transcript variant (1), 3 prime UTR variant (1).
Genome position (GRCh38, 1-based): chr3:49,422,422, C>T on the plus strand (G>A on the coding strand, the complement: AMT is on the minus strand). VCF-style: chr3-49422422-C-T. GRCh37 (hg19) VCF-style: chr3-49459855-C-T.
Other names: c.29G>A, p.Arg10His (NM_001164710.2, NM_001164711.2, NM_001164712.2); c.*2411G>A (NM_032316.3); short protein forms R10H.
Identifiers: ClinVar variation 1404115 (VCV001404115.9), dbSNP rs150649086, ClinGen allele CA2398511.